The following is an entry in ClinVar:

NM_139343.3(BIN1):c.1349C>A (p.Thr450Lys)

Gene: BIN1 (bridging integrator 1; minus strand). Cytogenetic location: 2q14.3.
Variant type: single nucleotide variant.
Coding change: c.1349C>A on transcript NM_139343.3 (MANE Select); coding-DNA position 1349, C replaced by A.
Protein change: p.Thr450Lys; replaces threonine 450 with lysine.
Molecular consequence: missense variant. On other transcripts: intron variant (9).
Genome position (GRCh38, 1-based): chr2:127,052,277, G>T on the plus strand (C>A on the coding strand, the complement: BIN1 is on the minus strand). VCF-style: chr2-127052277-G-T. GRCh37 (hg19) VCF-style: chr2-127809853-G-T.
Other names: c.1256C>A, p.Thr419Lys (NM_001320641.2); c.1268C>A, p.Thr423Lys (NM_001320642.1); c.1220C>A, p.Thr407Lys (NM_139344.3); c.1088C>A, p.Thr363Lys (NM_139345.3); c.1124C>A, p.Thr375Lys (NM_139347.3); c.995C>A, p.Thr332Lys (NM_139349.3); c.838-1365C>A (NM_001320634.1); c.910-1365C>A (NM_139351.3); and 7 more; short protein forms T407K, T419K, T375K, T423K, T450K, T332K, T363K.
Identifiers: ClinVar variation 1505294 (VCV001505294.6), dbSNP rs750715069, ClinGen allele CA348375763.

ClinVar aggregate classification (germline): Uncertain significance (1 of 4 stars; one submission).

Conditions:
Myopathy, centronuclear, 2 (CNM2). Also called: MYOTUBULAR MYOPATHY, AUTOSOMAL RECESSIVE. Identifiers: Orphanet 169186, MedGen CN031787, MONDO:0009709, OMIM 255200.

Submission:

Labcorp Genetics (formerly Invitae), Labcorp
Classification: Uncertain significance for Myopathy, centronuclear, 2. Last evaluated: 2022-04-29. Review status: criteria provided, single submitter. Criteria: Invitae Variant Classification Sherloc (09022015). Collection method: clinical testing. Allele origin: germline.
Comment: In summary, the available evidence is currently insufficient to determine the role of this variant in disease. Therefore, it has been classified as a Variant of Uncertain Significance. Algorithms developed to predict the effect of missense changes on protein structure and function (SIFT, PolyPhen-2, Align-GVGD) all suggest that this variant is likely to be tolerated. This variant has not been reported in the literature in individuals affected with BIN1-related conditions. This variant is not present in population databases (gnomAD no frequency). This sequence change replaces threonine, which is neutral and polar, with lysine, which is basic and polar, at codon 450 of the BIN1 protein (p.Thr450Lys).